The following is an entry in ClinVar:

NM_001077350.3(NPRL3):c.1693C>G (p.Gln565Glu)

Gene: NPRL3 (NPR3 like, GATOR1 complex subunit; minus strand). Cytogenetic location: 16p13.3.
Variant type: single nucleotide variant.
Coding change: c.1693C>G on transcript NM_001077350.3 (MANE Select); coding-DNA position 1693, C replaced by G.
Protein change: p.Gln565Glu; replaces glutamine 565 with glutamic acid.
Molecular consequence: missense variant.
Genome position (GRCh38, 1-based): chr16:86,722, G>C on the plus strand (C>G on the coding strand, the complement: NPRL3 is on the minus strand). VCF-style: chr16-86722-G-C. GRCh37 (hg19) VCF-style: chr16-136721-G-C.
Other names: c.1156C>G, p.Gln386Glu (NM_001039476.3); c.1459C>G, p.Gln487Glu (NM_001243247.2); c.1618C>G, p.Gln540Glu (NM_001243248.2, NM_001243249.2); short protein forms Q386E, Q487E, Q540E, Q565E.
Identifiers: ClinVar variation 3026069 (VCV003026069.22), dbSNP rs759144182, ClinGen allele CA7769243.

ClinVar aggregate classification (germline): Likely benign (1 of 4 stars; one submission).

Allele frequency attached by ClinVar (database versions not stated): gnomAD 0.00001; ExAC 0.00019.
gnomAD v4.1: 27 of 1,561,140 alleles (0.0017%); highest among the groups gnomAD compares: South Asian, 0.032%; no homozygotes.

Submission:

CeGaT Center for Human Genetics Tuebingen
Classification: Likely benign. Last evaluated: 2024-01-01. Review status: criteria provided, single submitter. Criteria: CeGaT Center For Human Genetics Tuebingen Variant Classification Criteria Version 2. Collection method: clinical testing. Allele origin: germline. Affected: yes. Observed: 1 variant allele.
Comment: NPRL3: BP4